The following is an entry in ClinVar:

NM_005475.3(SH2B3):c.484G>A (p.Ala162Thr)

Gene: SH2B3 (SH2B adaptor protein 3; plus strand). Cytogenetic location: 12q24.12.
Variant type: single nucleotide variant.
Coding change: c.484G>A on transcript NM_005475.3 (MANE Select); coding-DNA position 484, G replaced by A.
Protein change: p.Ala162Thr; replaces alanine 162 with threonine.
Molecular consequence: missense variant.
Genome position (GRCh38, 1-based): chr12:111,418,629, G>A. VCF-style: chr12-111418629-G-A. GRCh37 (hg19) VCF-style: chr12-111856433-G-A.
Other names: short protein forms A162T.
Identifiers: ClinVar variation 3953466 (VCV003953466.1).

ClinVar aggregate classification (germline): Uncertain significance (1 of 4 stars; one submission).

Conditions:
Inborn genetic diseases. Identifiers: MedGen C0950123, MeSH D030342.

gnomAD v4.1: 6 of 1,474,240 alleles (0.00041%); highest among the groups gnomAD compares: African/African-American, 0.0044%; no homozygotes.

Submission:

Ambry Genetics
Classification: Uncertain significance for Inborn genetic diseases. Last evaluated: 2025-04-19. Review status: criteria provided, single submitter. Criteria: Ambry Variant Classification Scheme 2023. Collection method: clinical testing. Allele origin: germline.
Comment: The p.A162T variant (also known as c.484G>A), located in coding exon 1 of the SH2B3 gene, results from a G to A substitution at nucleotide position 484. The alanine at codon 162 is replaced by threonine, an amino acid with similar properties. This amino acid position is conserved. In addition, this alteration is predicted to be tolerated by in silico analysis. Based on the available evidence, the clinical significance of this variant remains unclear.